The following is an entry in ClinVar:

NM_001903.5(CTNNA1):c.656C>T (p.Pro219Leu)

Gene: CTNNA1 (catenin alpha 1; plus strand). Cytogenetic location: 5q31.2.
Variant type: single nucleotide variant.
Coding change: c.656C>T on transcript NM_001903.5 (MANE Select); coding-DNA position 656, C replaced by T.
Protein change: p.Pro219Leu; replaces proline 219 with leucine.
Molecular consequence: missense variant.
Genome position (GRCh38, 1-based): chr5:138,824,597, C>T. VCF-style: chr5-138824597-C-T. GRCh37 (hg19) VCF-style: chr5-138160286-C-T.
Other names: c.656C>T, p.Pro219Leu (NM_001290307.3, NM_001323982.2, NM_001323983.1 and 3 more transcripts); c.347C>T, p.Pro116Leu (NM_001290309.3); c.287C>T, p.Pro96Leu (NM_001290310.3); short protein forms P116L, P219L, P96L.
Identifiers: ClinVar variation 650965 (VCV000650965.14), dbSNP rs369265386, ClinGen allele CA3431519.

ClinVar aggregate classification (germline): Uncertain significance. Review status: criteria provided, multiple submitters, no conflicts (2 of 4 stars). 4 submissions from 4 submitters: Uncertain significance (4). Last evaluated 2025-12-29.

Conditions:
Hereditary cancer-predisposing syndrome. Also called: Neoplastic Syndromes, Hereditary; Hereditary Cancer Syndrome; Tumor predisposition; Hereditary neoplastic syndrome. Identifiers: Orphanet 140162, MedGen C0027672, MeSH D009386, MONDO:0015356.

Allele frequency attached by ClinVar (database versions not stated): gnomAD 0.00001; gnomAD exomes 0.00001; ExAC 0.00002; TOPMed 0.00002; ESP Exome Variant Server 0.00008.
gnomAD v4.1: 13 of 1,614,046 alleles (0.00081%); highest among the groups gnomAD compares: East Asian, 0.0067%; no homozygotes.

Submissions (4):

Center for Genomic Medicine, Rigshospitalet, Copenhagen University Hospital
Classification: Uncertain significance. Last evaluated: 2025-12-29. Review status: criteria provided, single submitter. Criteria: ACMG Guidelines, 2015. Collection method: clinical testing. Allele origin: germline.
Comment: Classification criteria: BP4_moderate

Ambry Genetics
Classification: Uncertain significance for Hereditary cancer-predisposing syndrome. Last evaluated: 2025-08-13. Review status: criteria provided, single submitter. Criteria: Ambry Variant Classification Scheme 2023. Collection method: clinical testing. Allele origin: germline.
Comment: The p.P219L variant (also known as c.656C>T), located in coding exon 5 of the CTNNA1 gene, results from a C to T substitution at nucleotide position 656. The proline at codon 219 is replaced by leucine, an amino acid with similar properties. This amino acid position is well conserved in available vertebrate species. In addition, the in silico prediction for this alteration is inconclusive. Based on the available evidence, the clinical significance of this variant remains unclear.

Labcorp Genetics (formerly Invitae), Labcorp
Classification: Uncertain significance. Last evaluated: 2025-08-07. Review status: criteria provided, single submitter. Criteria: Invitae Variant Classification Sherloc (09022015). Collection method: clinical testing. Allele origin: germline.
Comment: This sequence change replaces proline, which is neutral and non-polar, with leucine, which is neutral and non-polar, at codon 219 of the CTNNA1 protein (p.Pro219Leu). This variant is present in population databases (rs369265386, gnomAD 0.007%). This variant has not been reported in the literature in individuals affected with CTNNA1-related conditions. ClinVar contains an entry for this variant (Variation ID: 650965). Invitae Evidence Modeling of protein sequence and biophysical properties (such as structural, functional, and spatial information, amino acid conservation, physicochemical variation, residue mobility, and thermodynamic stability) indicates that this missense variant is not expected to disrupt CTNNA1 protein function with a negative predictive value of 80%. In summary, the available evidence is currently insufficient to determine the role of this variant in disease. Therefore, it has been classified as a Variant of Uncertain Significance.

Blueprint Genetics
Classification: Uncertain significance. Last evaluated: 2024-02-28. Review status: criteria provided, single submitter. Criteria: ACMG Guidelines, 2015. Collection method: clinical testing. Allele origin: germline.

Literature cited by the submitters: PubMed 32051609 (cited by Ambry Genetics).